The following is an entry in ClinVar:

NM_002645.4(PIK3C2A):c.3131A>G (p.Glu1044Gly)

Gene: PIK3C2A (phosphatidylinositol-4-phosphate 3-kinase catalytic subunit type 2 alpha; minus strand). Cytogenetic location: 11p15.1.
Variant type: single nucleotide variant.
Coding change: c.3131A>G on transcript NM_002645.4 (MANE Select); coding-DNA position 3131, A replaced by G.
Protein change: p.Glu1044Gly; replaces glutamic acid 1044 with glycine.
Molecular consequence: missense variant.
Genome position (GRCh38, 1-based): chr11:17,117,576, T>C on the plus strand (A>G on the coding strand, the complement: PIK3C2A is on the minus strand). VCF-style: chr11-17117576-T-C. GRCh37 (hg19) VCF-style: chr11-17139123-T-C.
Other names: c.3131A>G, p.Glu1044Gly (NM_001321378.2); c.1991A>G, p.Glu664Gly (NM_001321380.2); c.2963A>G, p.Glu988Gly (NM_001386870.1); short protein forms E664G, E1044G, E988G.
Identifiers: ClinVar variation 2111811 (VCV002111811.4), dbSNP rs775469539, ClinGen allele CA5900878.

ClinVar aggregate classification (germline): Uncertain significance (1 of 4 stars; one submission).

Allele frequency attached by ClinVar (database versions not stated): gnomAD exomes below 0.00001; ExAC 0.00001.
gnomAD v4.1: 4 of 1,613,714 alleles (0.00025%); highest among the groups gnomAD compares: East Asian, 0.0089%; no homozygotes.

Submission:

Labcorp Genetics (formerly Invitae), Labcorp
Classification: Uncertain significance. Last evaluated: 2022-03-14. Review status: criteria provided, single submitter. Criteria: Invitae Variant Classification Sherloc (09022015). Collection method: clinical testing. Allele origin: germline.
Comment: This sequence change replaces glutamic acid, which is acidic and polar, with glycine, which is neutral and non-polar, at codon 1044 of the PIK3C2A protein (p.Glu1044Gly). In summary, the available evidence is currently insufficient to determine the role of this variant in disease. Therefore, it has been classified as a Variant of Uncertain Significance. Algorithms developed to predict the effect of missense changes on protein structure and function are either unavailable or do not agree on the potential impact of this missense change (SIFT: "Not Available"; PolyPhen-2: "Possibly Damaging"; Align-GVGD: "Not Available"). This variant has not been reported in the literature in individuals affected with PIK3C2A-related conditions. This variant is present in population databases (rs775469539, gnomAD 0.01%).